The following is an entry in ClinVar:

ClinVar aggregate classification (germline): Uncertain significance (1 of 4 stars; one submission).

Allele frequency attached by ClinVar (database versions not stated): gnomAD 0.00001; ExAC 0.00008.
gnomAD v4.1: 13 of 1,612,814 alleles (0.00081%); highest among the groups gnomAD compares: South Asian, 0.0055%; no homozygotes.

Submission:

Labcorp Genetics (formerly Invitae), Labcorp
Classification: Uncertain significance. Last evaluated: 2023-08-17. Review status: criteria provided, single submitter. Criteria: Invitae Variant Classification Sherloc (09022015). Collection method: clinical testing. Allele origin: germline.
Comment: In summary, the available evidence is currently insufficient to determine the role of this variant in disease. Therefore, it has been classified as a Variant of Uncertain Significance. Advanced modeling of protein sequence and biophysical properties (such as structural, functional, and spatial information, amino acid conservation, physicochemical variation, residue mobility, and thermodynamic stability) performed at Invitae indicates that this missense variant is expected to disrupt DOCK6 protein function. ClinVar contains an entry for this variant (Variation ID: 1363371). This variant has not been reported in the literature in individuals affected with DOCK6-related conditions. This variant is present in population databases (rs768313821, gnomAD 0.01%). This sequence change replaces arginine, which is basic and polar, with leucine, which is neutral and non-polar, at codon 386 of the DOCK6 protein (p.Arg386Leu).

NM_020812.4(DOCK6):c.1157G>T (p.Arg386Leu)

Gene: DOCK6 (dedicator of cytokinesis 6; minus strand). Cytogenetic location: 19p13.2.
Variant type: single nucleotide variant.
Coding change: c.1157G>T on transcript NM_020812.4 (MANE Select); coding-DNA position 1157, G replaced by T.
Protein change: p.Arg386Leu; replaces arginine 386 with leucine.
Molecular consequence: missense variant.
Genome position (GRCh38, 1-based): chr19:11,243,658, C>A on the plus strand (G>T on the coding strand, the complement: DOCK6 is on the minus strand). VCF-style: chr19-11243658-C-A. GRCh37 (hg19) VCF-style: chr19-11354334-C-A.
Other names: c.1157G>T, p.Arg386Leu (NM_001367830.1); short protein forms R386L.
Identifiers: ClinVar variation 1363371 (VCV001363371.6), dbSNP rs768313821, ClinGen allele CA9208230.